The following is an entry in ClinVar:

ClinVar aggregate classification (germline): Uncertain significance (1 of 4 stars; one submission).

Conditions:
Neuronopathy, distal hereditary motor, autosomal recessive 4. Also called: NEUROPATHY, DISTAL HEREDITARY MOTOR, AUTOSOMAL RECESSIVE 4; Autosomal recessive lower motor neuron disease with childhood onset. Identifiers: Orphanet 206580, MedGen C1970211, MONDO:0012608, OMIM 611067.
Charcot-Marie-Tooth disease recessive intermediate C. Also called: CHARCOT-MARIE-TOOTH NEUROPATHY, RECESSIVE INTERMEDIATE C. Identifiers: Orphanet 369867, MedGen C3809309, MONDO:0014154, OMIM 615376.

gnomAD v4.1: 8 of 1,553,618 alleles (0.00051%); highest among the groups gnomAD compares: Non-Finnish European, 0.00069%; no homozygotes.

Submission:

Labcorp Genetics (formerly Invitae), Labcorp
Classification: Uncertain significance for Neuronopathy, distal hereditary motor, autosomal recessive 4; Charcot-Marie-Tooth disease recessive intermediate C. Last evaluated: 2024-10-29. Review status: criteria provided, single submitter. Criteria: Invitae Variant Classification Sherloc (09022015). Collection method: clinical testing. Allele origin: germline.
Comment: This sequence change replaces proline, which is neutral and non-polar, with arginine, which is basic and polar, at codon 939 of the PLEKHG5 protein (p.Pro939Arg). This variant is not present in population databases (gnomAD no frequency). This variant has not been reported in the literature in individuals affected with PLEKHG5-related conditions. An algorithm developed to predict the effect of missense changes on protein structure and function (PolyPhen-2) suggests that this variant is likely to be tolerated. In summary, the available evidence is currently insufficient to determine the role of this variant in disease. Therefore, it has been classified as a Variant of Uncertain Significance.

NM_020631.6(PLEKHG5):c.2816C>G (p.Pro939Arg)

Gene: PLEKHG5 (pleckstrin homology and RhoGEF domain containing G5; minus strand). Cytogenetic location: 1p36.31.
Variant type: single nucleotide variant.
Coding change: c.2816C>G on transcript NM_020631.6 (MANE Select); coding-DNA position 2816, C replaced by G.
Protein change: p.Pro939Arg; replaces proline 939 with arginine.
Molecular consequence: missense variant. On other transcripts: intron variant (1).
Genome position (GRCh38, 1-based): chr1:6,468,020, G>C on the plus strand (C>G on the coding strand, the complement: PLEKHG5 is on the minus strand). VCF-style: chr1-6468020-G-C. GRCh37 (hg19) VCF-style: chr1-6528080-G-C.
Other names: c.2927C>G, p.Pro976Arg (NM_001042663.3, NM_001265592.2); c.2816C>G, p.Pro939Arg (NM_001042664.2, NM_001042665.2, NM_198681.4); c.3023C>G, p.Pro1008Arg (NM_001265593.2); c.2737+79C>G (NM_001265594.3); short protein forms P1008R, P939R, P976R.
Identifiers: ClinVar variation 3758660 (VCV003758660.2).